The following is an entry in ClinVar:

ClinVar aggregate classification (germline): Conflicting classifications of pathogenicity. Review status: criteria provided, conflicting classifications (1 of 4 stars). 8 submissions from 8 submitters: Likely pathogenic (1); Uncertain significance (2); Benign (3); Likely benign (2). Last evaluated 2026-08-07.

Conditions:
Leukoencephalopathy-thalamus and brainstem anomalies-high lactate syndrome. Also called: Combined oxidative phosphorylation deficiency 12; LEUKOENCEPHALOPATHY WITH THALAMUS AND BRAINSTEM INVOLVEMENT AND HIGH LACTATE. Identifiers: Orphanet 314051, MedGen C4706421, MONDO:0013971, OMIM 614924.

Allele frequency attached by ClinVar (database versions not stated): gnomAD exomes 0.00087; ExAC 0.00119; ESP Exome Variant Server 0.00315; 1000 Genomes Project 0.00339; TOPMed 0.00380; 1000 Genomes Project 30x 0.00406.
gnomAD v4.1: 1,091 of 1,613,674 alleles (0.068%); highest among the groups gnomAD compares: African/African-American, 1.2%; 9 homozygotes.

Submissions (8):

GeneDx
Classification: Likely pathogenic. Last evaluated: 2026-08-07. Review status: criteria provided, single submitter. Criteria: GeneDx Variant Classification Process June 2021. Collection method: clinical testing. Allele origin: germline.
Comment: In silico analysis supports that this missense variant has a deleterious effect on protein structure/function; Observed in apparent homozygous state in multiple unrelated individuals in large population cohorts (gnomAD) and healthy adult individuals tested at GeneDx suggesting this variant is a hypomorphic variant; This variant is associated with the following publications: (PMID: 33128823, 28973083, 32887222, 33972171, 22492562, 34440436, 39173847, 33962821)

CeGaT Center for Human Genetics Tuebingen
Classification: Likely benign. Last evaluated: 2026-04-01. Review status: criteria provided, single submitter. Criteria: CeGaT Center For Human Genetics Tuebingen Variant Classification Criteria Version 2. Collection method: clinical testing. Allele origin: germline. Affected: yes. Observed: 2 variant alleles.
Comment: EARS2: BS1

Labcorp Genetics (formerly Invitae), Labcorp
Classification: Benign. Last evaluated: 2025-12-27. Review status: criteria provided, single submitter. Criteria: Invitae Variant Classification Sherloc (09022015). Collection method: clinical testing. Allele origin: germline.

Mayo Clinic Laboratories, Mayo Clinic
Classification: Uncertain significance. Last evaluated: 2025-03-24. Review status: criteria provided, single submitter. Criteria: ACMG Guidelines, 2015. Collection method: clinical testing. Allele origin: germline. Observed: 5 variant alleles.
Comment: BS1, BS2, PP4, PM3_strong, PS4_moderate

Fulgent Genetics
Classification: Likely benign for Leukoencephalopathy-thalamus and brainstem anomalies-high lactate syndrome. Last evaluated: 2022-01-13. Review status: criteria provided, single submitter. Criteria: ACMG Guidelines, 2015. Collection method: clinical testing. Allele origin: unknown.

Diagnostic and Treatment Unit for Congenital Metabolic Diseases, Hopital Clínico Universitario de Santiago de Compostela (CHUS)
Classification: Uncertain significance for Leukoencephalopathy-thalamus and brainstem anomalies-high lactate syndrome. Last evaluated: 2020-09-02. Review status: criteria provided, single submitter. Criteria: ACMG Guidelines, 2015. Collection method: clinical testing, in vitro. Allele origin: paternal, not applicable. Affected: yes. Observed: 1 compound heterozygote. Segregation with disease observed.

Eurofins Ntd Llc (ga)
Classification: Benign. Last evaluated: 2017-06-07. Review status: criteria provided, single submitter. Criteria: EGL Classification Definitions 2015. Collection method: clinical testing. Allele origin: germline. Observed: 1 variant allele, 1 heterozygote.

Breakthrough Genomics
Classification: Benign. Review status: criteria provided, single submitter. Criteria: ACMG Guidelines, 2015. Collection method: not provided. Allele origin: germline. Inheritance: Autosomal recessive inheritance. Affected: yes.

Literature cited by the submitters: PubMed 22492562 (cited by Mayo Clinic Laboratories, Mayo Clinic); PubMed 23427196 (cited by Mayo Clinic Laboratories, Mayo Clinic); PubMed 28973083 (cited by Mayo Clinic Laboratories, Mayo Clinic); PubMed 32887222 (cited by Mayo Clinic Laboratories, Mayo Clinic and Diagnostic and Treatment Unit for Congenital Metabolic Diseases, Hopital Clínico Universitario de Santiago de Compostela (CHUS)); PubMed 33128823 (cited by Mayo Clinic Laboratories, Mayo Clinic); PubMed 33962821 (cited by Mayo Clinic Laboratories, Mayo Clinic); PubMed 33972171 (cited by Mayo Clinic Laboratories, Mayo Clinic).

NM_001083614.2(EARS2):c.670G>A (p.Gly224Ser)

Gene: EARS2 (glutamyl-tRNA synthetase 2, mitochondrial; minus strand). Cytogenetic location: 16p12.2.
Variant type: single nucleotide variant.
Coding change: c.670G>A on transcript NM_001083614.2 (MANE Select); coding-DNA position 670, G replaced by A.
Protein change: p.Gly224Ser; replaces glycine 224 with serine.
Molecular consequence: missense variant. On other transcripts: non-coding transcript variant (1).
Genome position (GRCh38, 1-based): chr16:23,535,176, C>T on the plus strand (G>A on the coding strand, the complement: EARS2 is on the minus strand). VCF-style: chr16-23535176-C-T. GRCh37 (hg19) VCF-style: chr16-23546497-C-T.
Other names: p.Gly224Ser; c.670G>A, p.Gly224Ser (NM_001308211.1); short protein forms G224S.
Identifiers: ClinVar variation 502130 (VCV000502130.32), dbSNP rs141129877, ClinGen allele CA7962528.